The following is an entry in ClinVar:

ClinVar aggregate classification (germline): Uncertain significance (1 of 4 stars; one submission).

gnomAD v4.1: 1 of 1,580,106 alleles (0.000063%); highest among the groups gnomAD compares: East Asian, 0.0022%; no homozygotes.

Submission:

Labcorp Genetics (formerly Invitae), Labcorp
Classification: Uncertain significance. Last evaluated: 2026-02-01. Review status: criteria provided, single submitter. Criteria: Invitae Variant Classification Sherloc (09022015). Collection method: clinical testing. Allele origin: germline.
Comment: This sequence change replaces proline, which is neutral and non-polar, with histidine, which is basic and polar, at codon 1412 of the COL4A2 protein (p.Pro1412His). This variant is present in population databases (rs777801935, gnomAD 0.01%). This variant has not been reported in the literature in individuals affected with COL4A2-related conditions. Invitae Evidence Modeling of protein sequence and biophysical properties (such as structural, functional, and spatial information, amino acid conservation, physicochemical variation, residue mobility, and thermodynamic stability) indicates that this missense variant is not expected to disrupt COL4A2 protein function with a negative predictive value of 95%. In summary, the available evidence is currently insufficient to determine the role of this variant in disease. Therefore, it has been classified as a Variant of Uncertain Significance.

NM_001846.4(COL4A2):c.4235C>A (p.Pro1412His)

Genes: COL4A2 (collagen type IV alpha 2 chain; plus strand), COL4A2-AS1 (COL4A2 antisense RNA 1; minus strand). Cytogenetic location: 13q34.
Variant type: single nucleotide variant.
Coding change: c.4235C>A on transcript NM_001846.4 (MANE Select); coding-DNA position 4235, C replaced by A.
Protein change: p.Pro1412His; replaces proline 1412 with histidine.
Molecular consequence: missense variant.
Genome position (GRCh38, 1-based): chr13:110,503,943, C>A. VCF-style: chr13-110503943-C-A. GRCh37 (hg19) VCF-style: chr13-111156290-C-A.
Other names: short protein forms P1412H.
Identifiers: ClinVar variation 4771357 (VCV004771357.1).